The following is an entry in ClinVar:

NM_001372.4(DNAH9):c.3985G>A (p.Val1329Met)

Gene: DNAH9 (dynein axonemal heavy chain 9; plus strand). Cytogenetic location: 17p12.
Variant type: single nucleotide variant.
Coding change: c.3985G>A on transcript NM_001372.4 (MANE Select); coding-DNA position 3985, G replaced by A.
Protein change: p.Val1329Met; replaces valine 1329 with methionine.
Molecular consequence: missense variant.
Genome position (GRCh38, 1-based): chr17:11,689,807, G>A. VCF-style: chr17-11689807-G-A. GRCh37 (hg19) VCF-style: chr17-11593124-G-A.
Other names: short protein forms V1329M.
Identifiers: ClinVar variation 1915927 (VCV001915927.2), dbSNP rs183775060, ClinGen allele CA8395581.

ClinVar aggregate classification (germline): Uncertain significance (1 of 4 stars; one submission).

Allele frequency attached by ClinVar (database versions not stated): gnomAD 0.00007; TOPMed 0.00007; ExAC 0.00009; 1000 Genomes Project 30x 0.00016; 1000 Genomes Project 0.00020.
gnomAD v4.1: 43 of 1,614,106 alleles (0.0027%); highest among the groups gnomAD compares: East Asian, 0.047%; no homozygotes.

Submission:

Labcorp Genetics (formerly Invitae), Labcorp
Classification: Uncertain significance. Last evaluated: 2022-01-31. Review status: criteria provided, single submitter. Criteria: Invitae Variant Classification Sherloc (09022015). Collection method: clinical testing. Allele origin: germline.
Comment: This sequence change replaces valine, which is neutral and non-polar, with methionine, which is neutral and non-polar, at codon 1329 of the DNAH9 protein (p.Val1329Met). This variant is present in population databases (rs183775060, gnomAD 0.1%). This variant has not been reported in the literature in individuals affected with DNAH9-related conditions. Algorithms developed to predict the effect of missense changes on protein structure and function are either unavailable or do not agree on the potential impact of this missense change (SIFT: "Deleterious"; PolyPhen-2: "Possibly Damaging"; Align-GVGD: "Class C0"). In summary, the available evidence is currently insufficient to determine the role of this variant in disease. Therefore, it has been classified as a Variant of Uncertain Significance.